The following is an entry in ClinVar:

ClinVar aggregate classification (germline): Likely benign. Review status: criteria provided, multiple submitters, no conflicts (2 of 4 stars). 5 submissions from 5 submitters: Likely benign (4). 1 of the submissions does not count toward it. Last evaluated 2026-02-01.

Conditions:
Townes syndrome (TBS). Also called: Townes-Brocks syndrome. Identifiers: Orphanet 857, MedGen C0265246, MeSH C536974, MONDO:0007142.
Townes-Brocks syndrome 1 (TBS1). Also called: SALL1-Related Townes-Brocks Syndrome; REAR SYNDROME; RENAL-EAR-ANAL-RADIAL SYNDROME; DEAFNESS, SENSORINEURAL, WITH IMPERFORATE ANUS AND THUMB ANOMALIES. Identifiers: Orphanet 857, MedGen C4551481, MONDO:0054581, OMIM 107480.
SALL1-related disorder. Also called: SALL1-related condition.

Allele frequency attached by ClinVar (database versions not stated): ExAC 0.00001; gnomAD exomes 0.00004 and 0.00010; gnomAD 0.00006 and 0.00007; ESP Exome Variant Server 0.00008; TOPMed 0.00009.

Submissions (5):

Labcorp Genetics (formerly Invitae), Labcorp
Classification: Likely benign for Townes syndrome. Last evaluated: 2026-02-01. Review status: criteria provided, single submitter. Criteria: Invitae Variant Classification Sherloc (09022015). Collection method: clinical testing. Allele origin: germline.

Mayo Clinic Laboratories, Mayo Clinic
Classification: Likely benign. Last evaluated: 2025-11-15. Review status: criteria provided, single submitter. Criteria: ACMG Guidelines, 2015. Collection method: clinical testing. Allele origin: germline. Observed: 1 variant allele.
Comment: BP4, BP7, PM2_supporting

Blueprint Genetics
Classification: Likely benign. Last evaluated: 2024-11-18. Review status: criteria provided, single submitter. Criteria: ACMG Guidelines, 2015. Collection method: clinical testing. Allele origin: germline.

Fulgent Genetics
Classification: Likely benign for Townes-Brocks syndrome 1. Last evaluated: 2022-05-13. Review status: criteria provided, single submitter. Criteria: ACMG Guidelines, 2015. Collection method: clinical testing. Allele origin: unknown.

PreventionGenetics, part of Exact Sciences
Classification: Likely benign for SALL1-related condition. Last evaluated: 2021-11-08. Review status: no assertion criteria provided. Collection method: clinical testing. Allele origin: germline. Not counted in ClinVar's aggregate classification.
Comment: This variant is classified as likely benign based on ACMG/AMP sequence variant interpretation guidelines (Richards et al. 2015 PMID: 25741868, with internal and published modifications).

NM_002968.3(SALL1):c.1953C>T (p.Pro651=)

Gene: SALL1 (spalt like transcription factor 1; minus strand). Cytogenetic location: 16q12.1.
Variant type: single nucleotide variant.
Coding change: c.1953C>T on transcript NM_002968.3 (MANE Select); coding-DNA position 1953, C replaced by T.
Protein change: p.Pro651=; no amino-acid change (proline 651 retained).
Molecular consequence: synonymous variant.
Genome position (GRCh38, 1-based): chr16:51,140,269, G>A on the plus strand (C>T on the coding strand, the complement: SALL1 is on the minus strand). VCF-style: chr16-51140269-G-A. GRCh37 (hg19) VCF-style: chr16-51174180-G-A.
Other names: p.Pro651=; c.1662C>T, p.Pro554= (NM_001127892.2); c.1953C>T (NM_002968.2).
Identifiers: ClinVar variation 1628766 (VCV001628766.13), dbSNP rs147169088, ClinGen allele CA8053191.